The following is an entry in ClinVar:

ClinVar aggregate classification (germline): Uncertain significance. Review status: criteria provided, multiple submitters, no conflicts (2 of 4 stars). 3 submissions from 3 submitters: Uncertain significance (3). Last evaluated 2024-08-14.

Conditions:
Inborn genetic diseases. Identifiers: MedGen C0950123, MeSH D030342.

Allele frequency attached by ClinVar (database versions not stated): gnomAD 0.00001; TOPMed 0.00001; ESP Exome Variant Server 0.00008; ExAC 0.00002; gnomAD exomes 0.00003.
gnomAD v4.1: 46 of 1,613,776 alleles (0.0029%); highest among the groups gnomAD compares: South Asian, 0.0077%; no homozygotes.

Submissions (3):

Ambry Genetics
Classification: Uncertain significance for Inborn genetic diseases. Last evaluated: 2024-08-14. Review status: criteria provided, single submitter. Criteria: Ambry Variant Classification Scheme 2023. Collection method: clinical testing. Allele origin: germline.

ARUP Laboratories, Molecular Genetics and Genomics, ARUP Laboratories
Classification: Uncertain significance. Last evaluated: 2023-07-27. Review status: criteria provided, single submitter. Criteria: ARUP Molecular Germline Variant Investigation Process 2024. Collection method: clinical testing. Allele origin: germline.

Labcorp Genetics (formerly Invitae), Labcorp
Classification: Uncertain significance. Last evaluated: 2023-06-28. Review status: criteria provided, single submitter. Criteria: Invitae Variant Classification Sherloc (09022015). Collection method: clinical testing. Allele origin: germline.
Comment: This sequence change replaces valine, which is neutral and non-polar, with methionine, which is neutral and non-polar, at codon 83 of the PKLR protein (p.Val83Met). This variant is present in population databases (rs368492204, gnomAD 0.006%). This variant has not been reported in the literature in individuals affected with PKLR-related conditions. Algorithms developed to predict the effect of missense changes on protein structure and function output the following: SIFT: "Not Available"; PolyPhen-2: "Benign"; Align-GVGD: "Not Available". The methionine amino acid residue is found in multiple mammalian species, which suggests that this missense change does not adversely affect protein function. In summary, the available evidence is currently insufficient to determine the role of this variant in disease. Therefore, it has been classified as a Variant of Uncertain Significance.

NM_000298.6(PKLR):c.247G>A (p.Val83Met)

Gene: PKLR (pyruvate kinase L/R; minus strand). Cytogenetic location: 1q22.
Variant type: single nucleotide variant.
Coding change: c.247G>A on transcript NM_000298.6 (MANE Select); coding-DNA position 247, G replaced by A.
Protein change: p.Val83Met; replaces valine 83 with methionine.
Molecular consequence: missense variant.
Genome position (GRCh38, 1-based): chr1:155,300,134, C>T on the plus strand (G>A on the coding strand, the complement: PKLR is on the minus strand). VCF-style: chr1-155300134-C-T. GRCh37 (hg19) VCF-style: chr1-155269925-C-T.
Other names: c.247G>A (NM_000298.5); c.154G>A, p.Val52Met (NM_181871.4); short protein forms V83M, V52M.
Identifiers: ClinVar variation 2906857 (VCV002906857.4), dbSNP rs368492204, ClinGen allele CA1144420.
Genomic context (GRCh38, chr1:155,300,134, plus strand): 5'-CTGCAGGGGGATGGGAGTGCTTACCGATGGTGGCAATGATGCTGGTACTGCGAGCAGCCA[C>T]GGGCTCGGAGTCAATGTCCAGTAGGCAGAGGTGTTCCAGGAAGGTGTCTGCCATAGCAGC-3'
Protein context (NP_000289.1, residues 73-93): LCLLDIDSEP[Val83Met]AARSTSIIAT